The following is an entry in ClinVar:

NM_000342.4(SLC4A1):c.1387G>A (p.Gly463Ser)

Gene: SLC4A1 (solute carrier family 4 member 1 (Diego blood group); minus strand). Cytogenetic location: 17q21.31.
Variant type: single nucleotide variant.
Coding change: c.1387G>A on transcript NM_000342.4 (MANE Select); coding-DNA position 1387, G replaced by A.
Protein change: p.Gly463Ser; replaces glycine 463 with serine.
Molecular consequence: missense variant.
Genome position (GRCh38, 1-based): chr17:44,257,703, C>T on the plus strand (G>A on the coding strand, the complement: SLC4A1 is on the minus strand). VCF-style: chr17-44257703-C-T. GRCh37 (hg19) VCF-style: chr17-42335071-C-T.
Other names: short protein forms G463S.
Identifiers: ClinVar variation 4526829 (VCV004526829.4).

ClinVar aggregate classification (germline): Uncertain significance. Review status: criteria provided, multiple submitters, no conflicts (2 of 4 stars). 3 submissions from 3 submitters: Uncertain significance (3). Last evaluated 2025-10-03.

Conditions:
Autosomal dominant distal renal tubular acidosis (DRTA1). Also called: RTA, DISTAL TYPE, AUTOSOMAL DOMINANT; RTA, CLASSIC TYPE; RTA, GRADIENT TYPE; Renal Tubular Acidosis, Type I; RENAL TUBULAR ACIDOSIS, DISTAL, 1. Identifiers: Orphanet 93608, MedGen CN280572, MONDO:0008368, OMIM 179800.
Renal tubular acidosis, distal, 4, with hemolytic anemia. Also called: Renal Tubular Acidosis, Distal, with Hemolytic Anemia. Identifiers: Orphanet 93610, MedGen C5436235, MONDO:0012700, OMIM 611590.

gnomAD v4.1: 3 of 1,613,868 alleles (0.00019%); highest among the groups gnomAD compares: African/African-American, 0.0013%; no homozygotes.

Submissions (3):

Rare Kidney Stone Consortium and the Mayo Clinic Hyperoxaluria Center, Mayo Clinic
Classification: Uncertain significance for Renal tubular acidosis, distal, 4, with hemolytic anemia; Autosomal dominant distal renal tubular acidosis. Last evaluated: 2025-10-03. Review status: criteria provided, single submitter. Criteria: ACMG Guidelines, 2015. Collection method: research. Allele origin: germline. Affected: yes. Observed: 1 variant allele.
Comment: ACMG:PM1, PM2, PP3

MVZ Medizinische Genetik Mainz
Classification: Uncertain significance for Autosomal dominant distal renal tubular acidosis. Last evaluated: 2024-04-25. Review status: criteria provided, single submitter. Criteria: UK Practice Guidelines For Variant Classification V4 01 2020. Collection method: clinical testing. Allele origin: germline. Inheritance: Autosomal dominant inheritance. Affected: yes. Observed: 1 variant allele.
Comment: ACMG Criteria: PM2_SUP,PM3_SUP,PP3

Juno Genomics, Hangzhou Juno Genomics, Inc
Classification: Uncertain significance for Renal tubular acidosis, distal, 4, with hemolytic anemia. Review status: criteria provided, single submitter. Criteria: ACMG Guidelines, 2015. Collection method: clinical testing. Allele origin: germline.
Comment: Absent from controls (or at extremely low frequency if recessive) in Genome Aggregation Database.;Multiple lines of computational evidence support a deleterious effect on the gene or gene product.;For recessive disorders, detected in trans with a pathogenic variant.;Patient's phenotype or family history is highly specific for a disease with a single genetic etiology.

Literature cited by the submitters: PubMed 31949730 (cited by Rare Kidney Stone Consortium and the Mayo Clinic Hyperoxaluria Center, Mayo Clinic); PubMed 40794449 (cited by Rare Kidney Stone Consortium and the Mayo Clinic Hyperoxaluria Center, Mayo Clinic).